The following is an entry in ClinVar:

ClinVar aggregate classification (germline): Likely benign. Review status: criteria provided, multiple submitters, no conflicts (2 of 4 stars). 3 submissions from 3 submitters: Likely benign (3). Last evaluated 2025-12-24.

Conditions:
Familial colorectal cancer type X. Identifiers: Orphanet 440437, MedGen C3896578, MONDO:0018604.
Familial adenomatous polyposis 2. Also called: MUTYH Polyposis; COLORECTAL ADENOMATOUS POLYPOSIS, AUTOSOMAL RECESSIVE; ADENOMAS, MULTIPLE COLORECTAL, AUTOSOMAL RECESSIVE; MUTYH-associated polyposis; MUTYH-related attenuated familial adenomatous polyposis; Adenomas, multiple colorectal. Identifiers: Orphanet 220460, Orphanet 247798, MedGen C3272841, MONDO:0012041, OMIM 608456.

Allele frequency attached by ClinVar (database versions not stated): gnomAD exomes below 0.00001 and 0.00001.
gnomAD v4.1: 4 of 1,614,150 alleles (0.00025%); highest among the groups gnomAD compares: Middle Eastern, 0.017%; no homozygotes.

Submissions (3):

Labcorp Genetics (formerly Invitae), Labcorp
Classification: Likely benign for Familial adenomatous polyposis 2. Last evaluated: 2025-12-24. Review status: criteria provided, single submitter. Criteria: Invitae Variant Classification Sherloc (09022015). Collection method: clinical testing. Allele origin: germline.

Department of Pathology and Laboratory Medicine, Sinai Health System
Classification: Likely benign for Familial colorectal cancer type X. Last evaluated: 2022-06-24. Review status: criteria provided, single submitter. Criteria: ACMG Guidelines, 2015. Collection method: clinical testing. Allele origin: germline. Affected: yes.

GeneDx
Classification: Likely benign. Last evaluated: 2017-09-01. Review status: criteria provided, single submitter. Criteria: GeneDx Variant Classification (06012015). Collection method: clinical testing. Allele origin: germline. Affected: yes.
Comment: This variant is considered likely benign or benign based on one or more of the following criteria: it is a conservative change, it occurs at a poorly conserved position in the protein, it is predicted to be benign by multiple in silico algorithms, and/or has population frequency not consistent with disease.

NM_001048174.2(MUTYH):c.913+15T>C

Gene: MUTYH (mutY DNA glycosylase; minus strand). Cytogenetic location: 1p34.1.
Variant type: single nucleotide variant.
Coding change: c.913+15T>C on transcript NM_001048174.2 (MANE Select); 15 bases into the intron after coding-DNA position 913, T replaced by C.
Molecular consequence: intron variant.
Genome position (GRCh38, 1-based): chr1:45,332,008, A>G on the plus strand (T>C on the coding strand, the complement: MUTYH is on the minus strand). VCF-style: chr1-45332008-A-G. GRCh37 (hg19) VCF-style: chr1-45797680-A-G.
Other names: c.568+15T>C (NM_001350651.2, NM_001350650.2); c.637+15T>C (NM_001293192.2, NM_001293196.2); c.913+15T>C (NM_001048171.2, NM_001048173.2, NM_001293195.2); c.958+15T>C (NM_001293190.2); c.988+15T>C (NM_012222.3); c.997+15T>C (NM_001128425.2); c.916+15T>C (NM_001048172.2); c.946+15T>C (NM_001293191.2).
Identifiers: ClinVar variation 511774 (VCV000511774.9), dbSNP rs1191301381, ClinGen allele CA522810428.